The following is an entry in ClinVar:

ClinVar aggregate classification (germline): Uncertain significance. Review status: criteria provided, multiple submitters, no conflicts (2 of 4 stars). 2 submissions from 2 submitters: Uncertain significance (2). Last evaluated 2024-01-11.

gnomAD v4.1: 62 of 1,613,408 alleles (0.0038%); highest among the groups gnomAD compares: Non-Finnish European, 0.0052%; no homozygotes.

Submissions (2):

Labcorp Genetics (formerly Invitae), Labcorp
Classification: Uncertain significance. Last evaluated: 2024-01-11. Review status: criteria provided, single submitter. Criteria: Invitae Variant Classification Sherloc (09022015). Collection method: clinical testing. Allele origin: germline.
Comment: This sequence change replaces alanine, which is neutral and non-polar, with proline, which is neutral and non-polar, at codon 906 of the RP1 protein (p.Ala906Pro). This variant is present in population databases (rs201538234, gnomAD 0.004%). This variant has not been reported in the literature in individuals affected with RP1-related conditions. An algorithm developed to predict the effect of missense changes on protein structure and function (PolyPhen-2) suggests that this variant is likely to be tolerated. In summary, the available evidence is currently insufficient to determine the role of this variant in disease. Therefore, it has been classified as a Variant of Uncertain Significance.

Blueprint Genetics
Classification: Uncertain significance. Last evaluated: 2018-07-22. Review status: criteria provided, single submitter. Criteria: ACMG Guidelines, 2015. Collection method: clinical testing. Allele origin: germline.

NM_006269.2(RP1):c.2716G>C (p.Ala906Pro)

Gene: RP1 (RP1 axonemal microtubule associated; plus strand). Cytogenetic location: 8q12.1.
Variant type: single nucleotide variant.
Coding change: c.2716G>C on transcript NM_006269.2 (MANE Select); coding-DNA position 2716, G replaced by C.
Protein change: p.Ala906Pro; replaces alanine 906 with proline.
Molecular consequence: missense variant. On other transcripts: intron variant (1).
Genome position (GRCh38, 1-based): chr8:54,626,598, G>C. VCF-style: chr8-54626598-G-C. GRCh37 (hg19) VCF-style: chr8-55539158-G-C.
Other names: c.787+4310G>C (NM_001375654.1); short protein forms A906P.
Identifiers: ClinVar variation 2959521 (VCV002959521.4), dbSNP rs201538234, ClinGen allele CA4751574.